The following is an entry in ClinVar:

ClinVar aggregate classification (germline): Uncertain significance (1 of 4 stars; one submission).

Submission:

GeneDx
Classification: Uncertain significance. Last evaluated: 2024-07-10. Review status: criteria provided, single submitter. Criteria: GeneDx Variant Classification Process June 2021. Collection method: clinical testing. Allele origin: germline. Affected: yes.
Comment: Not observed at significant frequency in large population cohorts (gnomAD); In silico analysis supports that this missense variant has a deleterious effect on protein structure/function; Has not been previously published as pathogenic or benign to our knowledge

NM_001042424.3(NSD2):c.3439A>G (p.Asn1147Asp)

Gene: NSD2 (nuclear receptor binding SET domain protein 2; plus strand). Cytogenetic location: 4p16.3.
Variant type: single nucleotide variant.
Coding change: c.3439A>G on transcript NM_001042424.3 (MANE Select); coding-DNA position 3439, A replaced by G.
Protein change: p.Asn1147Asp; replaces asparagine 1147 with aspartic acid.
Molecular consequence: missense variant.
Genome position (GRCh38, 1-based): chr4:1,974,929, A>G. VCF-style: chr4-1974929-A-G. GRCh37 (hg19) VCF-style: chr4-1976656-A-G.
Other names: c.3439A>G, p.Asn1147Asp (NM_133330.3, NM_133331.3, NM_133335.4); short protein forms N1147D.
Identifiers: ClinVar variation 3572491 (VCV003572491.1).